The following is an entry in ClinVar:

NM_000488.4(SERPINC1):c.562G>T (p.Glu188Ter)

Gene: SERPINC1 (serpin family C member 1; minus strand). Cytogenetic location: 1q25.1.
Variant type: single nucleotide variant.
Coding change: c.562G>T on transcript NM_000488.4 (MANE Select); coding-DNA position 562, G replaced by T.
Protein change: p.Glu188Ter; replaces glutamic acid 188 with a stop codon.
Molecular consequence: nonsense. On other transcripts: intron variant (1).
Genome position (GRCh38, 1-based): chr1:173,911,861, C>A on the plus strand (G>T on the coding strand, the complement: SERPINC1 is on the minus strand). VCF-style: chr1-173911861-C-A. GRCh37 (hg19) VCF-style: chr1-173880999-C-A.
Other names: c.418G>T, p.Glu140Ter (NM_001365052.2); c.562G>T, p.Glu188Ter (NM_001386302.1, NM_001386304.1, NM_001386305.1); c.643G>T, p.Glu215Ter (NM_001386303.1); c.409-970G>T (NM_001386306.1); short protein forms E188*, E140*, E215*.
Identifiers: ClinVar variation 3647078 (VCV003647078.2).

ClinVar aggregate classification (germline): Pathogenic (1 of 4 stars; one submission).

Conditions:
Hereditary antithrombin deficiency (AT3D). Also called: Antithrombin deficiency; Antithrombin III deficiency; Reduced antithrombin III activity; Thrombophilia due to antithrombin III deficiency. Identifiers: Orphanet 82, MedGen C0272375, MONDO:0013144, OMIM 613118, HP:0001976.

Submission:

Labcorp Genetics (formerly Invitae), Labcorp
Classification: Pathogenic for Hereditary antithrombin deficiency. Last evaluated: 2024-03-20. Review status: criteria provided, single submitter. Criteria: Invitae Variant Classification Sherloc (09022015). Collection method: clinical testing. Allele origin: germline.
Comment: This sequence change creates a premature translational stop signal (p.Glu188*) in the SERPINC1 gene. It is expected to result in an absent or disrupted protein product. Loss-of-function variants in SERPINC1 are known to be pathogenic (PMID: 21264449). This variant is not present in population databases (gnomAD no frequency). This variant has not been reported in the literature in individuals affected with SERPINC1-related conditions. For these reasons, this variant has been classified as Pathogenic.

Literature cited by the submitters: PubMed 21264449.